The following is an entry in ClinVar:

ClinVar aggregate classification (germline): Pathogenic (1 of 4 stars; one submission).

Conditions:
Tuberous sclerosis 2 (TSC2). Identifiers: Orphanet 805, MedGen C1860707, MONDO:0013199, OMIM 613254.

Submission:

Labcorp Genetics (formerly Invitae), Labcorp
Classification: Pathogenic for Tuberous sclerosis 2. Last evaluated: 2025-10-23. Review status: criteria provided, single submitter. Criteria: Invitae Variant Classification Sherloc (09022015). Collection method: clinical testing. Allele origin: germline.
Comment: This sequence change creates a premature translational stop signal (p.Ser1420*) in the TSC2 gene. It is expected to result in an absent or disrupted protein product. Loss-of-function variants in TSC2 are known to be pathogenic (PMID: 10205261, 17304050). This variant is not present in population databases (gnomAD no frequency). This variant has not been reported in the literature in individuals affected with TSC2-related conditions. For these reasons, this variant has been classified as Pathogenic.

Literature cited by the submitters: PubMed 10205261; PubMed 17304050.

NM_000548.5(TSC2):c.4259C>G (p.Ser1420Ter)

Gene: TSC2 (TSC complex subunit 2; plus strand). Cytogenetic location: 16p13.3.
Variant type: single nucleotide variant.
Coding change: c.4259C>G on transcript NM_000548.5 (MANE Select); coding-DNA position 4259, C replaced by G.
Protein change: p.Ser1420Ter; replaces serine 1420 with a stop codon.
Molecular consequence: nonsense. On other transcripts: non-coding transcript variant (5).
Genome position (GRCh38, 1-based): chr16:2,084,481, C>G. VCF-style: chr16-2084481-C-G. GRCh37 (hg19) VCF-style: chr16-2134482-C-G.
Other names: c.3461C>G, p.Ser1154Ter (NM_001406686.1, NM_001406685.1); c.3458C>G, p.Ser1153Ter (NM_001406687.1, NM_001406688.1); c.2846C>G, p.Ser949Ter (NM_001406689.1); c.2786C>G, p.Ser929Ter (NM_001406690.1); c.2783C>G, p.Ser928Ter (NM_001406691.1); c.2717C>G, p.Ser906Ter (NM_001406692.1, NM_001406693.1, NM_001406694.1); c.2714C>G, p.Ser905Ter (NM_001406695.1, NM_001406696.1, NM_001406697.1); c.2456C>G, p.Ser819Ter (NM_001406698.1); and 26 more; short protein forms S1197*, S1200*, S1347*, S1349*, S1353*, S1377*, S1383*, S906*.
Identifiers: ClinVar variation 4729704 (VCV004729704.1).